The following is an entry in ClinVar:

ClinVar aggregate classification (germline): Uncertain significance (1 of 4 stars; one submission).

Submission:

Labcorp Genetics (formerly Invitae), Labcorp
Classification: Uncertain significance. Last evaluated: 2022-03-27. Review status: criteria provided, single submitter. Criteria: Invitae Variant Classification Sherloc (09022015). Collection method: clinical testing. Allele origin: germline.
Comment: In summary, the available evidence is currently insufficient to determine the role of this variant in disease. Therefore, it has been classified as a Variant of Uncertain Significance. Algorithms developed to predict the effect of missense changes on protein structure and function (SIFT, PolyPhen-2, Align-GVGD) all suggest that this variant is likely to be tolerated. This variant has not been reported in the literature in individuals affected with C5-related conditions. This variant is not present in population databases (gnomAD no frequency). This sequence change replaces arginine, which is basic and polar, with threonine, which is neutral and polar, at codon 272 of the C5 protein (p.Arg272Thr).

NM_001735.3(C5):c.815G>C (p.Arg272Thr)

Gene: C5 (complement C5; minus strand). Cytogenetic location: 9q33.2.
Variant type: single nucleotide variant.
Coding change: c.815G>C on transcript NM_001735.3 (MANE Select); coding-DNA position 815, G replaced by C.
Protein change: p.Arg272Thr; replaces arginine 272 with threonine.
Molecular consequence: missense variant.
Genome position (GRCh38, 1-based): chr9:121,027,218, C>G on the plus strand (G>C on the coding strand, the complement: C5 is on the minus strand). VCF-style: chr9-121027218-C-G. GRCh37 (hg19) VCF-style: chr9-123789496-C-G.
Other names: c.815G>C, p.Arg272Thr (NM_001317164.2); c.833G>C, p.Arg278Thr (NM_001317163.2); short protein forms R272T, R278T.
Identifiers: ClinVar variation 2112877 (VCV002112877.4), dbSNP rs369240162, ClinGen allele CA374756528.